The following is an entry in ClinVar:

ClinVar aggregate classification (germline): Benign/Likely benign. Review status: criteria provided, multiple submitters, no conflicts (2 of 4 stars). 7 submissions from 7 submitters: Benign (3); Likely benign (4). Last evaluated 2025-08-15.

Conditions:
Cowden syndrome 5 (CWS5). Identifiers: Orphanet 201, MedGen C3554518, MONDO:0014047, OMIM 615108.
Inborn genetic diseases. Identifiers: MedGen C0950123, MeSH D030342.
Cowden syndrome (CS). Also called: Cowden's disease; Cowden's syndrome; Cowden disease. Identifiers: Orphanet 201, MedGen C0018553, MONDO:0016063. Disease mechanism: gain of function.

Allele frequency attached by ClinVar (database versions not stated): gnomAD exomes 0.00009 and 0.00021; ExAC 0.00026; 1000 Genomes Project 30x 0.00094; 1000 Genomes Project 0.00100; gnomAD 0.00103 and 0.00117; ESP Exome Variant Server 0.00108; TOPMed 0.00118.
gnomAD v4.1: 287 of 1,612,034 alleles (0.018%); highest among the groups gnomAD compares: African/African-American, 0.33%; no homozygotes.

Submissions (7):

Labcorp Genetics (formerly Invitae), Labcorp
Classification: Benign for Cowden syndrome. Last evaluated: 2025-08-15. Review status: criteria provided, single submitter. Criteria: Invitae Variant Classification Sherloc (09022015). Collection method: clinical testing. Allele origin: germline.

CeGaT Center for Human Genetics Tuebingen
Classification: Likely benign. Last evaluated: 2025-06-01. Review status: criteria provided, single submitter. Criteria: CeGaT Center For Human Genetics Tuebingen Variant Classification Criteria Version 2. Collection method: clinical testing. Allele origin: germline. Affected: yes. Observed: 2 variant alleles.
Comment: PIK3CA: BP4, BP7

Blueprint Genetics
Classification: Likely benign. Last evaluated: 2023-10-27. Review status: criteria provided, single submitter. Criteria: ACMG Guidelines, 2015. Collection method: clinical testing. Allele origin: germline.

KCCC/NGS Laboratory, Kuwait Cancer Control Center
Classification: Benign for Cowden syndrome 5. Last evaluated: 2023-07-07. Review status: criteria provided, single submitter. Criteria: ACMG Guidelines, 2015. Collection method: clinical testing. Allele origin: germline. Affected: yes.

Ambry Genetics
Classification: Likely benign for Inborn genetic diseases. Last evaluated: 2022-02-12. Review status: criteria provided, single submitter. Criteria: Ambry Variant Classification Scheme 2023. Collection method: clinical testing. Allele origin: germline.

GeneDx
Classification: Benign. Last evaluated: 2021-05-05. Review status: criteria provided, single submitter. Criteria: GeneDx Variant Classification Process June 2021. Collection method: clinical testing. Allele origin: germline. Affected: yes.

Breakthrough Genomics
Classification: Likely benign. Review status: criteria provided, single submitter. Criteria: ACMG Guidelines, 2015. Collection method: not provided. Allele origin: germline. Inheritance: Autosomal dominant inheritance. Affected: yes.

NM_006218.4(PIK3CA):c.2181A>T (p.Thr727=)

Gene: PIK3CA (phosphatidylinositol-4,5-bisphosphate 3-kinase catalytic subunit alpha; plus strand). Cytogenetic location: 3q26.32.
Variant type: single nucleotide variant.
Coding change: c.2181A>T on transcript NM_006218.4 (MANE Select); coding-DNA position 2181, A replaced by T.
Protein change: p.Thr727=; no amino-acid change (threonine 727 retained).
Molecular consequence: synonymous variant.
Genome position (GRCh38, 1-based): chr3:179,221,151, A>T. VCF-style: chr3-179221151-A-T. GRCh37 (hg19) VCF-style: chr3-178938939-A-T.
Other names: c.2181A>T (LRG_310t1, NM_006218.3).
Identifiers: ClinVar variation 246684 (VCV000246684.38), dbSNP rs116336243, ClinGen allele CA2710880.